The following is an entry in ClinVar:

ClinVar aggregate classification (germline): Uncertain significance. Review status: criteria provided, multiple submitters, no conflicts (2 of 4 stars). 3 submissions from 3 submitters: Uncertain significance (3). Last evaluated 2024-07-11.

Conditions:
Inborn genetic diseases. Identifiers: MedGen C0950123, MeSH D030342.
Majeed syndrome (MJDS). Also called: LPIN2-Related Majeed Syndrome; CHRONIC RECURRENT MULTIFOCAL OSTEOMYELITIS 1, WITH CONGENITAL DYSERYTHROPOIETIC ANEMIA, WITH OR WITHOUT NEUTROPHILIC DERMATOSIS. Identifiers: Orphanet 77297, MedGen C1864997, MONDO:0012316, OMIM 609628.

Allele frequency attached by ClinVar (database versions not stated): TOPMed 0.00001; gnomAD 0.00003; gnomAD exomes 0.00003 and 0.00005; ExAC 0.00004.
gnomAD v4.1: 76 of 1,607,674 alleles (0.0047%); highest among the groups gnomAD compares: Non-Finnish European, 0.0062%; no homozygotes.

Submissions (3):

ARUP Laboratories, Molecular Genetics and Genomics, ARUP Laboratories
Classification: Uncertain significance for Majeed syndrome. Last evaluated: 2024-07-11. Review status: criteria provided, single submitter. Criteria: ARUP Molecular Germline Variant Investigation Process 2024. Collection method: clinical testing. Allele origin: germline.
Comment: The LPIN2 c.2343G>T; p.Lys781Asn variant (rs765195065), to our knowledge, is not reported in the medical literature but is reported in ClinVar (Variation ID: 1423066). This variant is found in the general population with an overall allele frequency of 0.003% (9/282810 alleles) in the Genome Aggregation Database (v2.1.1). Computational analyses are uncertain whether this variant is neutral or deleterious (REVEL: 0.581). Due to limited information, the clinical significance of this variant is uncertain at this time.

Ambry Genetics
Classification: Uncertain significance for Inborn genetic diseases. Last evaluated: 2023-12-21. Review status: criteria provided, single submitter. Criteria: Ambry Variant Classification Scheme 2023. Collection method: clinical testing. Allele origin: germline.

Labcorp Genetics (formerly Invitae), Labcorp
Classification: Uncertain significance for Majeed syndrome. Last evaluated: 2021-12-25. Review status: criteria provided, single submitter. Criteria: Invitae Variant Classification Sherloc (09022015). Collection method: clinical testing. Allele origin: germline.
Comment: In summary, the available evidence is currently insufficient to determine the role of this variant in disease. Therefore, it has been classified as a Variant of Uncertain Significance. Algorithms developed to predict the effect of missense changes on protein structure and function (SIFT, PolyPhen-2, Align-GVGD) all suggest that this variant is likely to be disruptive. This variant has not been reported in the literature in individuals affected with LPIN2-related conditions. This variant is present in population databases (rs765195065, gnomAD 0.006%). This sequence change replaces lysine, which is basic and polar, with asparagine, which is neutral and polar, at codon 781 of the LPIN2 protein (p.Lys781Asn).

NM_001375808.2(LPIN2):c.2343G>T (p.Lys781Asn)

Gene: LPIN2 (lipin 2; minus strand). Cytogenetic location: 18p11.31.
Variant type: single nucleotide variant.
Coding change: c.2343G>T on transcript NM_001375808.2 (MANE Select); coding-DNA position 2343, G replaced by T.
Protein change: p.Lys781Asn; replaces lysine 781 with asparagine.
Molecular consequence: missense variant.
Genome position (GRCh38, 1-based): chr18:2,921,632, C>A on the plus strand (G>T on the coding strand, the complement: LPIN2 is on the minus strand). VCF-style: chr18-2921632-C-A. GRCh37 (hg19) VCF-style: chr18-2921630-C-A.
Other names: c.2343G>T, p.Lys781Asn (NM_001375809.1, NM_014646.2); short protein forms K781N.
Identifiers: ClinVar variation 1423066 (VCV001423066.8), dbSNP rs765195065, ClinGen allele CA8872752.
Genomic context (GRCh38, chr18:2,921,632, plus strand): 5'-AGACGGGGCAAACAGATTCTTGATATCATTTAGACACTCAATTTTGAACTTCTCTGGTTT[C>A]TTTTCTATCACTTCTCTAAGAAAAAAATACAAATACAATCACCAATCTCAAAATGGTCGT-3'
Protein context (NP_001362737.1, residues 771-791): FSAFHREVIE[Lys781Asn]KPEKFKIECL